The following is an entry in ClinVar:

NM_001039111.3(TRIM71):c.151G>A (p.Ala51Thr)

Gene: TRIM71 (tripartite motif containing 71; plus strand). Cytogenetic location: 3p22.3.
Variant type: single nucleotide variant.
Coding change: c.151G>A on transcript NM_001039111.3 (MANE Select); coding-DNA position 151, G replaced by A.
Protein change: p.Ala51Thr; replaces alanine 51 with threonine.
Molecular consequence: missense variant.
Genome position (GRCh38, 1-based): chr3:32,818,231, G>A. VCF-style: chr3-32818231-G-A. GRCh37 (hg19) VCF-style: chr3-32859723-G-A.
Other names: short protein forms A51T.
Identifiers: ClinVar variation 4882137 (VCV004882137.2).
Genomic context (GRCh38, chr3:32,818,231, plus strand): 5'-GCGTCGTCGTCCTCCTCGCAGACGTCCACGTCGTCGGGGGGCGGCGGCGGGGGCCCTGGG[G>A]CGGCGGCGCGCCGCCTACACGTCCTGCCCTGCCTGCACGCCTTCTGCCGCCCCTGCCTCG-3'
Protein context (NP_001034200.1, residues 41-61): SSGGGGGGPG[Ala51Thr]AARRLHVLPC

ClinVar aggregate classification (germline): Uncertain significance (1 of 4 stars; one submission).

Submission:

Dasa
Classification: Uncertain significance. Last evaluated: 2025-06-24. Review status: criteria provided, single submitter. Criteria: DASA Assertion Criteria. Collection method: clinical testing. Allele origin: germline.
Comment: NM_001039111.3(TRIM71):c.151G>A (p.Ala51Thr) is a missense variant that results in the substitution of alanine with threonine. This variant is absent from population databases. Computational prediction algorithms are consistent with a benign effect. The currently available literature and clinical evidence are not sufficient to establish a definitive association between this variant and the reported condition. Therefore, this variant is classified as a variant of uncertain significance.